The following is an entry in ClinVar:

NM_001164688.2(RD3):c.466_467delinsTT (p.Arg156Phe)

Gene: RD3 (RD3 regulator of GUCY2D; minus strand). Cytogenetic location: 1q32.3.
Variant type: Indel.
Coding change: c.466_467delinsTT on transcript NM_001164688.2 (MANE Select); coding-DNA positions 466 to 467, CG replaced by TT.
Protein change: p.Arg156Phe; replaces arginine 156 with phenylalanine.
Molecular consequence: missense variant.
Genome position (GRCh38, 1-based): chr1:211,479,157-211,479,158, CG replaced by AA on the plus strand (CG replaced by TT on the coding strand, the reverse complement: RD3 is on the minus strand). VCF-style: chr1-211479157-CG-AA. GRCh37 (hg19) VCF-style: chr1-211652499-CG-AA.
Other names: c.466_467delinsTT, p.Arg156Phe (NM_183059.3); short protein forms R156F.
Identifiers: ClinVar variation 1949139 (VCV001949139.5), dbSNP rs2464550215, ClinGen allele CA2580062025.

ClinVar aggregate classification (germline): Uncertain significance (1 of 4 stars; one submission).

Conditions:
Leber congenital amaurosis 12 (LCA12). Identifiers: Orphanet 65, MedGen C1857743, MONDO:0012525, OMIM 610612.

Submission:

Labcorp Genetics (formerly Invitae), Labcorp
Classification: Uncertain significance for Leber congenital amaurosis 12. Last evaluated: 2022-08-23. Review status: criteria provided, single submitter. Criteria: Invitae Variant Classification Sherloc (09022015). Collection method: clinical testing. Allele origin: germline.
Comment: In summary, the available evidence is currently insufficient to determine the role of this variant in disease. Therefore, it has been classified as a Variant of Uncertain Significance. Algorithms developed to predict the effect of missense changes on protein structure and function are either unavailable or do not agree on the potential impact of this missense change (SIFT: "Not Available"; PolyPhen-2: "Probably Damaging"; Align-GVGD: "Not Available"). This variant has not been reported in the literature in individuals affected with RD3-related conditions. This variant is present in population databases (no rsID available, gnomAD 0.04%). This sequence change replaces arginine, which is basic and polar, with phenylalanine, which is neutral and non-polar, at codon 156 of the RD3 protein (p.Arg156Phe).